The following is an entry in ClinVar:

NM_005886.3(KATNB1):c.203G>A (p.Ser68Asn)

Gene: KATNB1 (katanin regulatory subunit B1; plus strand). Cytogenetic location: 16q21.
Variant type: single nucleotide variant.
Coding change: c.203G>A on transcript NM_005886.3 (MANE Select); coding-DNA position 203, G replaced by A.
Protein change: p.Ser68Asn; replaces serine 68 with asparagine.
Molecular consequence: missense variant.
Genome position (GRCh38, 1-based): chr16:57,744,425, G>A. VCF-style: chr16-57744425-G-A. GRCh37 (hg19) VCF-style: chr16-57778337-G-A.
Other names: c.203G>A (NM_005886.2); short protein forms S68N.
Identifiers: ClinVar variation 2111866 (VCV002111866.5), dbSNP rs2506896487, ClinGen allele CA396063620.

ClinVar aggregate classification (germline): Uncertain significance. Review status: criteria provided, multiple submitters, no conflicts (2 of 4 stars). 2 submissions from 2 submitters: Uncertain significance (2). Last evaluated 2023-12-26.

Conditions:
Inborn genetic diseases. Identifiers: MedGen C0950123, MeSH D030342.

Allele frequency attached by ClinVar (database versions not stated): gnomAD exomes below 0.00001.
gnomAD v4.1: 4 of 1,613,846 alleles (0.00025%); highest among the groups gnomAD compares: Non-Finnish European, 0.00034%; no homozygotes.

Submissions (2):

Ambry Genetics
Classification: Uncertain significance for Inborn genetic diseases. Last evaluated: 2023-12-26. Review status: criteria provided, single submitter. Criteria: Ambry Variant Classification Scheme 2023. Collection method: clinical testing. Allele origin: germline.

Labcorp Genetics (formerly Invitae), Labcorp
Classification: Uncertain significance. Last evaluated: 2022-03-14. Review status: criteria provided, single submitter. Criteria: Invitae Variant Classification Sherloc (09022015). Collection method: clinical testing. Allele origin: germline.
Comment: This sequence change replaces serine, which is neutral and polar, with asparagine, which is neutral and polar, at codon 68 of the KATNB1 protein (p.Ser68Asn). In summary, the available evidence is currently insufficient to determine the role of this variant in disease. Therefore, it has been classified as a Variant of Uncertain Significance. Advanced modeling of protein sequence and biophysical properties (such as structural, functional, and spatial information, amino acid conservation, physicochemical variation, residue mobility, and thermodynamic stability) performed at Invitae indicates that this missense variant is not expected to disrupt KATNB1 protein function. This variant has not been reported in the literature in individuals affected with KATNB1-related conditions. This variant is not present in population databases (gnomAD no frequency).